The following is an entry in ClinVar:

NM_001034853.2(RPGR):c.490T>G (p.Trp164Gly)

Gene: RPGR (retinitis pigmentosa GTPase regulator; minus strand). Cytogenetic location: Xp11.4.
Variant type: single nucleotide variant.
Coding change: c.490T>G on transcript NM_001034853.2 (MANE Select); coding-DNA position 490, T replaced by G.
Protein change: p.Trp164Gly; replaces tryptophan 164 with glycine.
Molecular consequence: missense variant. On other transcripts: non-coding transcript variant (6).
Genome position (GRCh38, 1-based): chrX:38,317,445, A>C on the plus strand (T>G on the coding strand, the complement: RPGR is on the minus strand). VCF-style: chrX-38317445-A-C. GRCh37 (hg19) VCF-style: chrX-38176698-A-C.
Other names: c.490T>G, p.Trp164Gly (NM_000328.3, NM_001367245.1, NM_001367246.1 and 3 more transcripts); c.520T>G, p.Trp174Gly (NM_001367248.1); c.487T>G, p.Trp163Gly (NM_001367249.1); short protein forms W163G, W174G, W164G.
Identifiers: ClinVar variation 2745518 (VCV002745518.3), dbSNP rs2519889391, ClinGen allele CA412744926.

ClinVar aggregate classification (germline): Uncertain significance (1 of 4 stars; one submission).

Conditions:
Primary ciliary dyskinesia. Also called: Ciliary dyskinesia. Identifiers: Orphanet 244, MedGen C0008780, MONDO:0016575, HP:0012265.

Submission:

Labcorp Genetics (formerly Invitae), Labcorp
Classification: Uncertain significance for Primary ciliary dyskinesia. Last evaluated: 2024-08-21. Review status: criteria provided, single submitter. Criteria: Invitae Variant Classification Sherloc (09022015). Collection method: clinical testing. Allele origin: germline.
Comment: This sequence change replaces tryptophan, which is neutral and slightly polar, with glycine, which is neutral and non-polar, at codon 164 of the RPGR protein (p.Trp164Gly). This variant is not present in population databases (gnomAD no frequency). This variant has not been reported in the literature in individuals affected with RPGR-related conditions. Invitae Evidence Modeling of protein sequence and biophysical properties (such as structural, functional, and spatial information, amino acid conservation, physicochemical variation, residue mobility, and thermodynamic stability) indicates that this missense variant is expected to disrupt RPGR protein function with a positive predictive value of 80%. In summary, the available evidence is currently insufficient to determine the role of this variant in disease. Therefore, it has been classified as a Variant of Uncertain Significance.